The following is an entry in ClinVar:

ClinVar aggregate classification (germline): Uncertain significance (1 of 4 stars; one submission).

Submission:

Ambry Genetics
Classification: Uncertain significance. Last evaluated: 2026-08-15. Review status: criteria provided, single submitter. Criteria: Ambry Variant Classification Scheme 2023. Collection method: clinical testing. Allele origin: germline.
Comment: The p.G59V variant (also known as c.176G>T), located in coding exon 1 of the RNF43 gene, results from a G to T substitution at nucleotide position 176. The glycine at codon 59 is replaced by valine, an amino acid with dissimilar properties. This amino acid position is conserved. In addition, this alteration is predicted to be deleterious by in silico analysis. Based on the available evidence, the clinical significance of this variant remains unclear.

NM_017763.6(RNF43):c.176G>T (p.Gly59Val)

Gene: RNF43 (ring finger protein 43; minus strand). Cytogenetic location: 17q22.
Variant type: single nucleotide variant.
Coding change: c.176G>T on transcript NM_017763.6 (MANE Select); coding-DNA position 176, G replaced by T.
Protein change: p.Gly59Val; replaces glycine 59 with valine.
Molecular consequence: missense variant. On other transcripts: intron variant (1).
Genome position (GRCh38, 1-based): chr17:58,415,402, C>A on the plus strand (G>T on the coding strand, the complement: RNF43 is on the minus strand). VCF-style: chr17-58415402-C-A. GRCh37 (hg19) VCF-style: chr17-56492763-C-A.
Other names: c.176G>T, p.Gly59Val (NM_001305544.3, NM_001438820.1, NM_001438821.1 and 1 more transcripts); c.-130+1615G>T (NM_001437987.1); short protein forms G59V.
Identifiers: ClinVar variation 5028348 (VCV005028348.1).